The following is an entry in ClinVar:

ClinVar aggregate classification (germline): Uncertain significance (1 of 4 stars; one submission).

Conditions:
Combined oxidative phosphorylation defect type 17. Also called: Combined oxidative phosphorylation deficiency 17. Identifiers: Orphanet 369913, MedGen C3809526, MONDO:0014190, OMIM 615440.

Allele frequency attached by ClinVar (database versions not stated): gnomAD 0.00001.
gnomAD v4.1: 2 of 1,614,088 alleles (0.00012%); highest among the groups gnomAD compares: African/African-American, 0.0013%; no homozygotes.

Submission:

Labcorp Genetics (formerly Invitae), Labcorp
Classification: Uncertain significance for Combined oxidative phosphorylation defect type 17. Last evaluated: 2022-05-10. Review status: criteria provided, single submitter. Criteria: Invitae Variant Classification Sherloc (09022015). Collection method: clinical testing. Allele origin: germline.
Comment: This variant is not present in population databases (gnomAD no frequency). This sequence change replaces threonine, which is neutral and polar, with arginine, which is basic and polar, at codon 488 of the ELAC2 protein (p.Thr488Arg). This variant has not been reported in the literature in individuals affected with ELAC2-related conditions. Algorithms developed to predict the effect of missense changes on protein structure and function (SIFT, PolyPhen-2, Align-GVGD) all suggest that this variant is likely to be disruptive. In summary, the available evidence is currently insufficient to determine the role of this variant in disease. Therefore, it has been classified as a Variant of Uncertain Significance.

NM_018127.7(ELAC2):c.1463C>G (p.Thr488Arg)

Gene: ELAC2 (elaC ribonuclease Z 2; minus strand). Cytogenetic location: 17p12.
Variant type: single nucleotide variant.
Coding change: c.1463C>G on transcript NM_018127.7 (MANE Select); coding-DNA position 1463, C replaced by G.
Protein change: p.Thr488Arg; replaces threonine 488 with arginine.
Molecular consequence: missense variant.
Genome position (GRCh38, 1-based): chr17:12,998,469, G>C on the plus strand (C>G on the coding strand, the complement: ELAC2 is on the minus strand). VCF-style: chr17-12998469-G-C. GRCh37 (hg19) VCF-style: chr17-12901786-G-C.
Other names: c.1343C>G, p.Thr448Arg (NM_001165962.2); c.1460C>G, p.Thr487Arg (NM_173717.2); short protein forms T448R, T488R, T487R.
Identifiers: ClinVar variation 2014708 (VCV002014708.2), dbSNP rs931963687, ClinGen allele CA288078884.